The following is an entry in ClinVar:

NM_001142966.3(GREB1L):c.1498_1499del (p.Val500fs)

Genes: GREB1L (GREB1 like retinoic acid receptor coactivator; plus strand), LOC101927521 (uncharacterized LOC101927521; minus strand). Cytogenetic location: 18q11.1.
Variant type: Microsatellite.
Coding change: c.1498_1499del on transcript NM_001142966.3 (MANE Select); coding-DNA positions 1498 to 1499, 2 bases deleted (GT; older notation c.1498_1499delGT).
Protein change: p.Val500fs; shifts the reading frame from valine 500.
Molecular consequence: frameshift variant. On other transcripts: intron variant (1).
Genome position (GRCh38, 1-based): chr18:21,449,614-21,449,615, GT deleted; deleting any 2 consecutive bases within chr18:21,449,610-21,449,615 gives the same sequence; the c. name uses the placement nearest the transcript's 3' end. VCF-style (leftmost placement, unchanged base first): chr18-21449609-AGT-A. GRCh37 (hg19) VCF-style: chr18-19029570-AGT-A.
Other names: c.1627_1628del, p.Val543fs (NM_001410867.1); c.1394-1413GT[2] (NM_001410868.1); short protein forms V500fs, V543fs.
Identifiers: ClinVar variation 3601155 (VCV003601155.1).

ClinVar aggregate classification (germline): Pathogenic (1 of 4 stars; one submission).

Conditions:
Hearing loss, autosomal dominant 80. Also called: DEAFNESS, AUTOSOMAL DOMINANT 80. Identifiers: MedGen C5543289, MONDO:0030998, OMIM 619274.

Submission:

Institute of Rare Diseases, West China Hospital, Sichuan University
Classification: Pathogenic for Hearing loss, autosomal dominant 80. Last evaluated: 2025-01-09. Review status: criteria provided, single submitter. Criteria: ClinGen HL ACMG Specifications v1. Collection method: research. Allele origin: germline. Affected: yes.
Comment: PVS1;PS2;PM2_Supporting